The following is an entry in ClinVar:

ClinVar aggregate classification (germline): Uncertain significance (1 of 4 stars; one submission).

Conditions:
Autosomal recessive limb-girdle muscular dystrophy type 2J (LGMDR10). Also called: Limb-girdle muscular dystrophy, type 2J; MUSCULAR DYSTROPHY, LIMB-GIRDLE, AUTOSOMAL RECESSIVE 10. Identifiers: Orphanet 140922, MedGen C1837342, MONDO:0012127, OMIM 608807.

Submission:

Broad Center for Mendelian Genomics, Broad Institute of MIT and Harvard
Classification: Uncertain significance for Autosomal recessive limb-girdle muscular dystrophy type 2J. Last evaluated: 2018-11-15. Review status: criteria provided, single submitter. Criteria: ACMG Guidelines, 2015. Collection method: research. Allele origin: germline. Inheritance: Autosomal recessive inheritance. Affected: yes. Clinical features observed: Myopathy.
Comment: The homozygous p.Tyr10147Ser variant in TTN was identified by our study in two siblings with Limb-Girdle Muscular Dystrophy. This variant was absent from large population studies. Computational prediction tools do not provide strong support for or against an impact to the protein. In summary, the clinical significance of the p.Tyr10147Ser variant is uncertain.

NM_001267550.2(TTN):c.30440A>C (p.Tyr10147Ser)

Gene: TTN (titin; minus strand). Cytogenetic location: 2q31.2.
Variant type: single nucleotide variant.
Coding change: c.30440A>C on transcript NM_001267550.2 (MANE Select); coding-DNA position 30440, A replaced by C.
Protein change: p.Tyr10147Ser; replaces tyrosine 10147 with serine.
Molecular consequence: missense variant. On other transcripts: intron variant (3).
Genome position (GRCh38, 1-based): chr2:178,702,239, T>G on the plus strand (A>C on the coding strand, the complement: TTN is on the minus strand). VCF-style: chr2-178702239-T-G. GRCh37 (hg19) VCF-style: chr2-179566966-T-G.
Other names: c.29489A>C, p.Tyr9830Ser (NM_001256850.1); c.26708A>C, p.Tyr8903Ser (NM_133378.4); c.13282+35843A>C (NM_003319.4); c.13858+35843A>C (NM_133437.4); c.13657+35843A>C (NM_133432.3); short protein forms Y10147S, Y9830S, Y8903S.
Identifiers: ClinVar variation 800525 (VCV000800525.1), dbSNP rs1577672002, ClinGen allele CA349570287.